The following is an entry in ClinVar:

ClinVar aggregate classification (germline): Pathogenic (1 of 4 stars; one submission).

Submission:

Labcorp Genetics (formerly Invitae), Labcorp
Classification: Pathogenic. Last evaluated: 2023-08-10. Review status: criteria provided, single submitter. Criteria: Invitae Variant Classification Sherloc (09022015). Collection method: clinical testing. Allele origin: germline.
Comment: For these reasons, this variant has been classified as Pathogenic. Algorithms developed to predict the effect of sequence changes on RNA splicing suggest that this variant may disrupt the consensus splice site. ClinVar contains an entry for this variant (Variation ID: 2187155). This variant has not been reported in the literature in individuals affected with TRPM1-related conditions. This variant is not present in population databases (gnomAD no frequency). This sequence change creates a premature translational stop signal (p.Lys1144Thrfs*5) in the TRPM1 gene. It is expected to result in an absent or disrupted protein product. Loss-of-function variants in TRPM1 are known to be pathogenic (PMID: 19896113, 19966281, 20300565).

Literature cited by the submitters: PubMed 19896113; PubMed 19966281; PubMed 20300565.

NC_000015.10:g.31026261_31026273del

Genes: TRPM1 (transient receptor potential cation channel subfamily M member 1; minus strand), TRPM1-AS1 (TRPM1 antisense RNA 1; plus strand), LOC126862088 (BRD4-independent group 4 enhancer GRCh37_chr15:31318084-31319283; plus strand). Cytogenetic location: 15q13.3.
Variant type: Deletion.
Genome position: GRCh38 VCF-style: chr15-31026258-GCTAAGGAAGAGCT-G. GRCh37 (hg19) VCF-style: chr15-31318461-GCTAAGGAAGAGCT-G.
Identifiers: ClinVar variation 2187155 (VCV002187155.5), dbSNP rs2032745517, ClinGen allele CA968287940.